The following is an entry in ClinVar:

NM_005560.6(LAMA5):c.10699C>A (p.Pro3567Thr)

Gene: LAMA5 (laminin subunit alpha 5; minus strand). Cytogenetic location: 20q13.33.
Variant type: single nucleotide variant.
Coding change: c.10699C>A on transcript NM_005560.6 (MANE Select); coding-DNA position 10699, C replaced by A.
Protein change: p.Pro3567Thr; replaces proline 3567 with threonine.
Molecular consequence: missense variant.
Genome position (GRCh38, 1-based): chr20:62,310,213, G>T on the plus strand (C>A on the coding strand, the complement: LAMA5 is on the minus strand). VCF-style: chr20-62310213-G-T. GRCh37 (hg19) VCF-style: chr20-60885269-G-T.
Other names: c.10699C>A (NM_005560.3); short protein forms P3567T.
Identifiers: ClinVar variation 2159965 (VCV002159965.7), dbSNP rs763023466, ClinGen allele CA9939676.

ClinVar aggregate classification (germline): Uncertain significance. Review status: criteria provided, multiple submitters, no conflicts (2 of 4 stars). 3 submissions from 3 submitters: Uncertain significance (3). Last evaluated 2024-06-22.

Conditions:
Nephrotic syndrome, IIa 26. Also called: Nephrotic syndrome, type 26. Identifiers: MedGen C5774221, MONDO:0031061, OMIM 620049.
Inborn genetic diseases. Identifiers: MedGen C0950123, MeSH D030342.

Allele frequency attached by ClinVar (database versions not stated): gnomAD 0.00001; ExAC 0.00002.
gnomAD v4.1: 4 of 1,612,488 alleles (0.00025%); highest among the groups gnomAD compares: East Asian, 0.0022%; no homozygotes.

Submissions (3):

3billion
Classification: Uncertain significance for Nephrotic syndrome, IIa 26. Last evaluated: 2024-06-22. Review status: criteria provided, single submitter. Criteria: ACMG Guidelines, 2015. Collection method: clinical testing. Allele origin: germline. Affected: yes.
Comment: The variant is observed at an extremely low frequency in the gnomAD v4.0.0 dataset (total allele frequency: <0.001%). Predicted Consequence/Location: Missense variant In silico tool predictions suggest no damaging effect of the variant on gene or gene product [REVEL: 0.14 (<0.4); 3Cnet: 0.11 (<0.15, specificity 0.78 and negative predictive value 0.92)]. A different missense change at the same codon (p.Pro3567Ser) has been reported to be associated with LAMA5 related disorder (PMID: 35663266). However the evidence of pathogenicity is insufficient at this time. Therefore, this variant is classified as VUS according to the recommendation of ACMG/AMP guideline.

Ambry Genetics
Classification: Uncertain significance for Inborn genetic diseases. Last evaluated: 2023-05-17. Review status: criteria provided, single submitter. Criteria: Ambry Variant Classification Scheme 2023. Collection method: clinical testing. Allele origin: germline.

Labcorp Genetics (formerly Invitae), Labcorp
Classification: Uncertain significance. Last evaluated: 2022-06-07. Review status: criteria provided, single submitter. Criteria: Invitae Variant Classification Sherloc (09022015). Collection method: clinical testing. Allele origin: germline.
Comment: This sequence change replaces proline, which is neutral and non-polar, with threonine, which is neutral and polar, at codon 3567 of the LAMA5 protein (p.Pro3567Thr). This variant is present in population databases (rs763023466, gnomAD 0.01%). This variant has not been reported in the literature in individuals affected with LAMA5-related conditions. Algorithms developed to predict the effect of missense changes on protein structure and function output the following: SIFT: "Tolerated"; PolyPhen-2: "Benign"; Align-GVGD: "Class C0". The threonine amino acid residue is found in multiple mammalian species, which suggests that this missense change does not adversely affect protein function. In summary, the available evidence is currently insufficient to determine the role of this variant in disease. Therefore, it has been classified as a Variant of Uncertain Significance.

Literature cited by the submitters: PubMed 35663266 (cited by 3billion).